The following is an entry in ClinVar:

NM_004100.5(EYA4):c.277+9G>A

Gene: EYA4 (EYA transcriptional coactivator and phosphatase 4; plus strand). Cytogenetic location: 6q23.2.
Variant type: single nucleotide variant.
Coding change: c.277+9G>A on transcript NM_004100.5 (MANE Select); 9 bases into the intron after coding-DNA position 277, G replaced by A.
Molecular consequence: intron variant.
Genome position (GRCh38, 1-based): chr6:133,448,188, G>A. VCF-style: chr6-133448188-G-A. GRCh37 (hg19) VCF-style: chr6-133769326-G-A.
Other names: c.277+9G>A (NM_001301013.2, NM_172105.4); c.208+1434G>A (NM_001370458.1, NM_172103.4, NM_001370459.1 and 1 more transcripts).
Identifiers: ClinVar variation 239629 (VCV000239629.19), dbSNP rs145320803, ClinGen allele CA4007992.

ClinVar aggregate classification (germline): Benign/Likely benign. Review status: criteria provided, multiple submitters, no conflicts (2 of 4 stars). 6 submissions from 6 submitters: Benign (2); Likely benign (1). 3 of the submissions do not count toward it. Last evaluated 2026-01-19.

Conditions:
EYA4-related disorder. Also called: EYA4-related condition; EYA4-related disorders. Identifiers: MedGen CN239388.
Dilated cardiomyopathy 1J (CMD1J). Also called: CARDIOMYOPATHY, DILATED, WITH SENSORINEURAL HEARING LOSS, AUTOSOMAL DOMINANT. Identifiers: Orphanet 217622, MedGen C1854368, MONDO:0011541, OMIM 605362.

Allele frequency attached by ClinVar (database versions not stated): gnomAD exomes 0.00005 and 0.00018; 1000 Genomes Project 30x 0.00016; 1000 Genomes Project 0.00020; ExAC 0.00026; ESP Exome Variant Server 0.00054; gnomAD 0.00065 and 0.00072; TOPMed 0.00066.
gnomAD v4.1: 174 of 1,605,618 alleles (0.011%); highest among the groups gnomAD compares: African/African-American, 0.21%; no homozygotes.

Submissions (6):

Labcorp Genetics (formerly Invitae), Labcorp
Classification: Benign for Dilated cardiomyopathy 1J. Last evaluated: 2026-01-19. Review status: criteria provided, single submitter. Criteria: Invitae Variant Classification Sherloc (09022015). Collection method: clinical testing. Allele origin: germline.

GeneDx
Classification: Likely benign. Last evaluated: 2018-12-13. Review status: criteria provided, single submitter. Criteria: GeneDx Variant Classification Process June 2021. Collection method: clinical testing. Allele origin: germline. Affected: yes.

Women's Health and Genetics/Laboratory Corporation of America, LabCorp
Classification: Benign. Last evaluated: 2018-07-09. Review status: criteria provided, single submitter. Criteria: LabCorp Variant Classification Summary - May 2015. Collection method: clinical testing. Allele origin: germline.
Comment: Variant summary: EYA4 c.277+9G>A alters a non-conserved nucleotide located close to a canonical splice site and therefore could affect mRNA splicing, leading to a significantly altered protein sequence. 5/5 computational tools predict no significant impact on normal splicing. However, these predictions have yet to be confirmed by functional studies. The variant allele was found at a frequency of 0.00025 in 277156 control chromosomes (gnomAD). The observed variant frequency is approximately 10-fold of the estimated maximal expected allele frequency for a pathogenic variant in EYA4 causing Cardiomyopathy phenotype (2.5e-05), strongly suggesting that the variant is benign. To our knowledge, no occurrence of c.277+9G>A in individuals affected with Cardiomyopathy and no experimental evidence demonstrating its impact on protein function have been reported. One clinical diagnostic laboratory has submitted clinical-significance assessments for this variant to ClinVar after 2014 without evidence for independent evaluation and classified the variant as benign. Based on the evidence outlined above, the variant was classified as benign.

PreventionGenetics, part of Exact Sciences
Classification: Likely benign for EYA4-related condition. Last evaluated: 2020-01-02. Review status: no assertion criteria provided. Collection method: clinical testing. Allele origin: germline. Not counted in ClinVar's aggregate classification.
Comment: This variant is classified as likely benign based on ACMG/AMP sequence variant interpretation guidelines (Richards et al. 2015 PMID: 25741868, with internal and published modifications).

Clinical Genetics DNA and cytogenetics Diagnostics Lab, Erasmus MC, Erasmus Medical Center
Classification: Likely benign. Review status: no assertion criteria provided. Collection method: clinical testing. Allele origin: germline. Affected: yes. Study: VKGL Data-share Consensus. Not counted in ClinVar's aggregate classification.

Genome Diagnostics Laboratory, University Medical Center Utrecht
Classification: Likely benign. Review status: no assertion criteria provided. Collection method: clinical testing. Allele origin: germline. Affected: yes. Study: VKGL Data-share Consensus. Not counted in ClinVar's aggregate classification.